The following is an entry in ClinVar:

NM_182548.4(LHFPL5):c.494C>T (p.Thr165Met)

Gene: LHFPL5 (LHFPL tetraspan subfamily member 5; plus strand). Cytogenetic location: 6p21.31.
Variant type: single nucleotide variant.
Coding change: c.494C>T on transcript NM_182548.4 (MANE Select); coding-DNA position 494, C replaced by T.
Protein change: p.Thr165Met; replaces threonine 165 with methionine.
Molecular consequence: missense variant.
Genome position (GRCh38, 1-based): chr6:35,814,627, C>T. VCF-style: chr6-35814627-C-T. GRCh37 (hg19) VCF-style: chr6-35782404-C-T.
Other names: c.494C>T (NM_182548.3); short protein forms T165M.
Identifiers: ClinVar variation 1697 (VCV000001697.10), dbSNP rs104893976, ClinGen allele CA251916.

ClinVar aggregate classification (germline): Conflicting classifications of pathogenicity. Review status: criteria provided, conflicting classifications (1 of 4 stars). 6 submissions from 6 submitters: Pathogenic (1); Likely pathogenic (1); Uncertain significance (2). 2 of the submissions do not count toward it. Last evaluated 2026-09-14.

Conditions:
LHFPL5-related disorder. Also called: LHFPL5-related condition.
Autosomal recessive nonsyndromic hearing loss 67. Identifiers: Orphanet 90636, MedGen C1853223, MONDO:0012460, OMIM 610265.

Allele frequency attached by ClinVar (database versions not stated): gnomAD 0.00009 and 0.00010; TOPMed 0.00010; ExAC 0.00003; gnomAD exomes 0.00005 and 0.00012.
gnomAD v4.1: 187 of 1,614,022 alleles (0.012%); highest among the groups gnomAD compares: Non-Finnish European, 0.015%; no homozygotes.

Submissions (6):

PreventionGenetics, part of Exact Sciences
Classification: Uncertain significance for LHFPL5-related condition. Last evaluated: 2026-09-14. Review status: criteria provided, single submitter. Criteria: ACMG Guidelines, 2015. Collection method: clinical testing. Allele origin: germline.
Comment: The LHFPL5 c.494C>T variant is predicted to result in the amino acid substitution p.Thr165Met. This variant has been reported in the homozygous state in six individuals from a consanguineous family with nonsyndromic hearing loss (Kalay. 2006. PubMed ID: 16752389). This variant has also been reported along with a second variant in LHFPL5 in an individual with nonsyndromic hearing loss however, phase was not confirmed (Marková et al. 2016. PubMed ID: 27260575). This variant is reported in 0.0096% of alleles in individuals of Ashkenazi Jewish descent in gnomAD. Although we suspect that this variant may be pathogenic, at this time, the clinical significance of this variant is uncertain due to the absence of conclusive functional and genetic evidence.

Clinical Genetics Laboratory, University Hospital Schleswig-Holstein
Classification: Likely pathogenic for Autosomal recessive nonsyndromic hearing loss 67. Last evaluated: 2025-03-25. Review status: criteria provided, single submitter. Criteria: ACMG Guidelines, 2015. Collection method: clinical testing. Allele origin: maternal. Affected: yes. Observed: 1 compound heterozygote.
Comment: ACMG criteria applied: PM2, PP3, PP1_Strong, PP4

Blueprint Genetics
Classification: Pathogenic for LHFPL5-related disorders. Last evaluated: 2024-07-25. Review status: criteria provided, single submitter. Criteria: ACMG Guidelines, 2015. Collection method: clinical testing. Allele origin: germline. Affected: yes. Observed: 5 variant alleles.

GeneDx
Classification: Uncertain significance. Last evaluated: 2024-01-25. Review status: criteria provided, single submitter. Criteria: GeneDx Variant Classification Process June 2021. Collection method: clinical testing. Allele origin: germline. Affected: yes.
Comment: In silico analysis supports that this missense variant has a deleterious effect on protein structure/function; This variant is associated with the following publications: (PMID: 23217710, 27260575, 31835641, 16752389)

OMIM
Classification: Pathogenic for DEAFNESS, AUTOSOMAL RECESSIVE 67. Last evaluated: 2006-07-01. Review status: no assertion criteria provided. Collection method: literature only. Allele origin: germline. Not counted in ClinVar's aggregate classification.

Dr.Nikuei Genetic Center
Classification: Pathogenic for Autosomal recessive nonsyndromic hearing loss 67. Review status: no assertion criteria provided. Collection method: clinical testing. Allele origin: germline. Inheritance: Autosomal recessive inheritance. Affected: yes. Not counted in ClinVar's aggregate classification.

Literature cited by the submitters: PubMed 16752389 (cited by OMIM).